The following is an entry in ClinVar:

NM_000143.4(FH):c.1391-285A>G

Gene: FH (fumarate hydratase; minus strand). Cytogenetic location: 1q43.
Variant type: single nucleotide variant.
Coding change: c.1391-285A>G on transcript NM_000143.4 (MANE Select); 285 bases into the intron before coding-DNA position 1391, A replaced by G.
Molecular consequence: intron variant.
Genome position (GRCh38, 1-based): chr1:241,498,255, T>C on the plus strand (A>G on the coding strand, the complement: FH is on the minus strand). VCF-style: chr1-241498255-T-C. GRCh37 (hg19) VCF-style: chr1-241661555-T-C.
Identifiers: ClinVar variation 679799 (VCV000679799.1), dbSNP rs11809211, ClinGen allele CA40371997.

ClinVar aggregate classification (germline): Likely benign (1 of 4 stars; one submission).

Allele frequency attached by ClinVar (database versions not stated): gnomAD 0.00397 and 0.00372; TOPMed 0.00451; 1000 Genomes Project 30x 0.00328; 1000 Genomes Project 0.00379.
gnomAD v4.1: 562 of 152,234 alleles (0.37%); highest among the groups gnomAD compares: African/African-American, 1.2%; 1 homozygote.

Submission:

GeneDx
Classification: Likely benign. Last evaluated: 2018-06-18. Review status: criteria provided, single submitter. Criteria: GeneDx Variant Classification (06012015). Collection method: clinical testing. Allele origin: germline. Affected: yes.
Comment: This variant is considered likely benign or benign based on one or more of the following criteria: it is a conservative change, it occurs at a poorly conserved position in the protein, it is predicted to be benign by multiple in silico algorithms, and/or has population frequency not consistent with disease.